The following is an entry in ClinVar:

ClinVar aggregate classification (germline): Uncertain significance (1 of 4 stars; one submission).

Submission:

CeGaT Center for Human Genetics Tuebingen
Classification: Uncertain significance. Last evaluated: 2024-01-01. Review status: criteria provided, single submitter. Criteria: CeGaT Center For Human Genetics Tuebingen Variant Classification Criteria Version 2. Collection method: clinical testing. Allele origin: germline. Affected: yes. Observed: 1 variant allele.
Comment: CNOT1: PM2, PP2

NM_016284.5(CNOT1):c.3292A>C (p.Lys1098Gln)

Gene: CNOT1 (CCR4-NOT transcription complex subunit 1; minus strand). Cytogenetic location: 16q21.
Variant type: single nucleotide variant.
Coding change: c.3292A>C on transcript NM_016284.5 (MANE Select); coding-DNA position 3292, A replaced by C.
Protein change: p.Lys1098Gln; replaces lysine 1098 with glutamine.
Molecular consequence: missense variant. On other transcripts: non-coding transcript variant (1).
Genome position (GRCh38, 1-based): chr16:58,551,182, T>G on the plus strand (A>C on the coding strand, the complement: CNOT1 is on the minus strand). VCF-style: chr16-58551182-T-G. GRCh37 (hg19) VCF-style: chr16-58585086-T-G.
Other names: c.3277A>C, p.Lys1093Gln (NM_001265612.2); c.3292A>C, p.Lys1098Gln (NM_206999.3); short protein forms K1093Q, K1098Q.
Identifiers: ClinVar variation 3026982 (VCV003026982.22), dbSNP rs2543933945, ClinGen allele CA396172434.